The following is an entry in ClinVar:

NM_130811.4(SNAP25):c.552+6C>T

Gene: SNAP25 (synaptosome associated protein 25; plus strand). Cytogenetic location: 20p12.2.
Variant type: single nucleotide variant.
Coding change: c.552+6C>T on transcript NM_130811.4 (MANE Select); 6 bases into the intron after coding-DNA position 552, C replaced by T.
Molecular consequence: intron variant.
Genome position (GRCh38, 1-based): chr20:10,299,418, C>T. VCF-style: chr20-10299418-C-T. GRCh37 (hg19) VCF-style: chr20-10280066-C-T.
Other names: c.552+6C>T (NM_001322909.2, NM_003081.5, NM_001322902.2 and 7 more transcripts).
Identifiers: ClinVar variation 1062961 (VCV001062961.7), dbSNP rs2123159776, ClinGen allele CA2499225658.

ClinVar aggregate classification (germline): Uncertain significance (1 of 4 stars; one submission).

Conditions:
Congenital myasthenic syndrome 18. Also called: MYASTHENIC SYNDROME, CONGENITAL, 18, WITH INTELLECTUAL DISABILITY AND ATAXIA. Identifiers: Orphanet 590, MedGen C4225364, MONDO:0014590, OMIM 616330.

Submission:

Labcorp Genetics (formerly Invitae), Labcorp
Classification: Uncertain significance for Congenital myasthenic syndrome 18. Last evaluated: 2020-09-21. Review status: criteria provided, single submitter. Criteria: Invitae Variant Classification Sherloc (09022015). Collection method: clinical testing. Allele origin: germline.
Comment: This variant has not been reported in the literature in individuals with SNAP25-related conditions. This variant is not present in population databases (ExAC no frequency). This sequence change falls in intron 7 of the SNAP25 gene. It does not directly change the encoded amino acid sequence of the SNAP25 protein, but it affects a nucleotide within the consensus splice site of the intron. Nucleotide substitutions within the consensus splice site are a relatively common cause of aberrant splicing (PMID: 17576681, 9536098). Algorithms developed to predict the effect of sequence changes on RNA splicing suggest that this variant may create or strengthen a splice site, but this prediction has not been confirmed by published transcriptional studies. In summary, the available evidence is currently insufficient to determine the role of this variant in disease. Therefore, it has been classified as a Variant of Uncertain Significance.

Literature cited by the submitters: PubMed 17576681; PubMed 9536098.